The following is an entry in ClinVar:

ClinVar aggregate classification (germline): Conflicting classifications of pathogenicity. Review status: criteria provided, conflicting classifications (1 of 4 stars). 2 submissions from 2 submitters: Uncertain significance (1); Likely benign (1). Last evaluated 2023-07-29.

Allele frequency attached by ClinVar (database versions not stated): 1000 Genomes Project 30x 0.00031; 1000 Genomes Project 0.00040.
gnomAD v4.1: 191 of 1,609,376 alleles (0.012%); highest among the groups gnomAD compares: South Asian, 0.032%; no homozygotes.

Submissions (2):

Labcorp Genetics (formerly Invitae), Labcorp
Classification: Uncertain significance. Last evaluated: 2023-07-29. Review status: criteria provided, single submitter. Criteria: Invitae Variant Classification Sherloc (09022015). Collection method: clinical testing. Allele origin: germline.
Comment: Algorithms developed to predict the effect of missense changes on protein structure and function output the following: SIFT: "Not Available"; PolyPhen-2: "Benign"; Align-GVGD: "Not Available". The leucine amino acid residue is found in multiple mammalian species, which suggests that this missense change does not adversely affect protein function. ClinVar contains an entry for this variant (Variation ID: 2048325). This variant has not been reported in the literature in individuals affected with FUK-related conditions. This variant is present in population databases (rs371988447, gnomAD 0.06%), and has an allele count higher than expected for a pathogenic variant. This sequence change replaces proline, which is neutral and non-polar, with leucine, which is neutral and non-polar, at codon 756 of the FUK protein (p.Pro756Leu). In summary, the available evidence is currently insufficient to determine the role of this variant in disease. Therefore, it has been classified as a Variant of Uncertain Significance.

Ambry Genetics
Classification: Likely benign. Last evaluated: 2023-04-17. Review status: criteria provided, single submitter. Criteria: Ambry Variant Classification Scheme 2023. Collection method: clinical testing. Allele origin: germline.

NM_145059.3(FCSK):c.2267C>T (p.Pro756Leu)

Gene: FCSK (fucose kinase; plus strand). Cytogenetic location: 16q22.1.
Variant type: single nucleotide variant.
Coding change: c.2267C>T on transcript NM_145059.3 (MANE Select); coding-DNA position 2267, C replaced by T.
Protein change: p.Pro756Leu; replaces proline 756 with leucine.
Molecular consequence: missense variant.
Genome position (GRCh38, 1-based): chr16:70,474,901, C>T. VCF-style: chr16-70474901-C-T. GRCh37 (hg19) VCF-style: chr16-70508804-C-T.
Other names: c.2267C>T (NM_145059.2); short protein forms P756L.
Identifiers: ClinVar variation 2048325 (VCV002048325.6), dbSNP rs371988447, ClinGen allele CA8143541.